The following is an entry in ClinVar:

NM_001165963.4(SCN1A):c.5361G>T (p.Glu1787Asp)

Genes: SCN1A (sodium voltage-gated channel alpha subunit 1; minus strand), LOC102724058 (uncharacterized LOC102724058; plus strand). Cytogenetic location: 2q24.3.
Variant type: single nucleotide variant.
Coding change: c.5361G>T on transcript NM_001165963.4 (MANE Select); coding-DNA position 5361, G replaced by T.
Protein change: p.Glu1787Asp; replaces glutamic acid 1787 with aspartic acid.
Molecular consequence: missense variant. On other transcripts: non-coding transcript variant (1).
Genome position (GRCh38, 1-based): chr2:165,991,914, C>A on the plus strand (G>T on the coding strand, the complement: SCN1A is on the minus strand). VCF-style: chr2-165991914-C-A. GRCh37 (hg19) VCF-style: chr2-166848424-C-A.
Other names: p.E1787D:GAG>GAT; c.5277G>T, p.Glu1759Asp (NM_001165964.3, NM_001353957.2, NM_001353958.2); c.5361G>T, p.Glu1787Asp (NM_001202435.3, NM_001353948.2); c.5328G>T, p.Glu1776Asp (NM_001353949.2, NM_001353950.2, NM_001353951.2 and 2 more transcripts); c.5325G>T, p.Glu1775Asp (NM_001353954.2, NM_001353955.2); c.5274G>T, p.Glu1758Asp (NM_001353960.2); c.2919G>T, p.Glu973Asp (NM_001353961.2); short protein forms E1776D, E1787D, E1775D, E973D, E1758D, E1759D.
Identifiers: ClinVar variation 206864 (VCV000206864.2), dbSNP rs796053038, ClinGen allele CA317601.

ClinVar aggregate classification (germline): Likely pathogenic (1 of 4 stars; one submission).

Submission:

GeneDx
Classification: Likely pathogenic. Last evaluated: 2018-05-18. Review status: criteria provided, single submitter. Criteria: GeneDx Variant Classification (06012015). Collection method: clinical testing. Allele origin: germline. Affected: yes.
Comment: The Glu1787Asp missense change has not been published as a mutation, nor has it been reported as a benign polymorphism to our knowledge. It was not observed in approximately 6,500 individuals of European and African American ancestry in the NHLBI Exome Sequencing Project, indicating it is not a common benign variant in these populations. A non-conservative amino acid substitution at the same position (Glu1787Lys) has been published as a disease-causing mutation associated with severe myoclonic epilepsy of infancy (Marini et al., 2007). Glu1787Asp is a conservative amino acid substitution as Glutamic acid and Aspartic acid are both negatively charged, polar residues. However, it alters a highly conserved position in the C-terminal region of the protein, and multiple in silico algorithms predict it may be damaging to protein structure/function. The variant is found in EPILEPSY panel(s).